The following is an entry in ClinVar:

NM_014476.6(PDLIM3):c.906-4A>G

Gene: PDLIM3 (PDZ and LIM domain 3; minus strand). Cytogenetic location: 4q35.1.
Variant type: single nucleotide variant.
Coding change: c.906-4A>G on transcript NM_014476.6 (MANE Select); 4 bases into the intron before coding-DNA position 906, A replaced by G.
Molecular consequence: intron variant.
Genome position (GRCh38, 1-based): chr4:185,502,487, T>C on the plus strand (A>G on the coding strand, the complement: PDLIM3 is on the minus strand). VCF-style: chr4-185502487-T-C. GRCh37 (hg19) VCF-style: chr4-186423641-T-C.
Other names: c.405-4A>G (NM_001257963.2); c.642-4A>G (NM_001257962.2); c.762-4A>G (NM_001114107.5).
Identifiers: ClinVar variation 2159088 (VCV002159088.4), dbSNP rs2095688804, ClinGen allele CA2580071695.

ClinVar aggregate classification (germline): Uncertain significance (1 of 4 stars; one submission).

Conditions:
Primary dilated cardiomyopathy (DCM). Also called: Dilated Cardiomyopathy. Identifiers: Orphanet 217604, MedGen C0007193, MeSH D002311, MONDO:0005021, HP:0001644. Inheritance: Various modes of inheritance.
Hypertrophic cardiomyopathy. Also called: HYPERTROPHIC MYOCARDIOPATHY. Identifiers: Orphanet 217569, MedGen C0007194, MeSH D002312, MONDO:0005045, HP:0001639.

Allele frequency attached by ClinVar (database versions not stated): gnomAD exomes below 0.00001.
gnomAD v4.1: 1 of 1,613,900 alleles (0.000062%); highest among the groups gnomAD compares: Non-Finnish European, 0.000085%; no homozygotes.

Submission:

Labcorp Genetics (formerly Invitae), Labcorp
Classification: Uncertain significance for Hypertrophic cardiomyopathy; Primary dilated cardiomyopathy. Last evaluated: 2022-10-19. Review status: criteria provided, single submitter. Criteria: Invitae Variant Classification Sherloc (09022015). Collection method: clinical testing. Allele origin: germline.
Comment: This sequence change falls in intron 7 of the PDLIM3 gene. It does not directly change the encoded amino acid sequence of the PDLIM3 protein. This variant is not present in population databases (gnomAD no frequency). This variant has not been reported in the literature in individuals affected with PDLIM3-related conditions. Algorithms developed to predict the effect of sequence changes on RNA splicing suggest that this variant may create or strengthen a splice site. In summary, the available evidence is currently insufficient to determine the role of this variant in disease. Therefore, it has been classified as a Variant of Uncertain Significance.